The following is an entry in ClinVar:

NM_006922.4(SCN3A):c.1336C>A (p.Gln446Lys)

Gene: SCN3A (sodium voltage-gated channel alpha subunit 3; minus strand). Cytogenetic location: 2q24.3.
Variant type: single nucleotide variant.
Coding change: c.1336C>A on transcript NM_006922.4 (MANE Select); coding-DNA position 1336, C replaced by A.
Protein change: p.Gln446Lys; replaces glutamine 446 with lysine.
Molecular consequence: missense variant.
Genome position (GRCh38, 1-based): chr2:165,154,496, G>T on the plus strand (C>A on the coding strand, the complement: SCN3A is on the minus strand). VCF-style: chr2-165154496-G-T. GRCh37 (hg19) VCF-style: chr2-166011006-G-T.
Other names: c.1336C>A, p.Gln446Lys (NM_001081676.2, NM_001081677.2); short protein forms Q446K.
Identifiers: ClinVar variation 1806774 (VCV001806774.1), dbSNP rs1553535058, ClinGen allele CA349237967.
Genomic context (GRCh38, chr2:165,154,496, plus strand): 5'-TTTTATCACTCAGTACCTGAGCTTCTTCCTGTTGCTTTTTAAGCTGTTCGAGCATCTGCT[G>T]AAATTCGGCCTCTTTTTGTTCTGCTTCTTCCAAGGTGGCCTGATTCTGCTCCTCATAGGC-3'
Protein context (NP_008853.3, residues 436-456): EEAEQKEAEF[Gln446Lys]QMLEQLKKQQ

ClinVar aggregate classification (germline): Uncertain significance (1 of 4 stars; one submission).

gnomAD v4.1: 1 of 1,614,138 alleles (0.000062%); highest among the groups gnomAD compares: Admixed American, 0.0017%; no homozygotes.

Submission:

GeneDx
Classification: Uncertain significance. Last evaluated: 2022-06-20. Review status: criteria provided, single submitter. Criteria: GeneDx Variant Classification Process June 2021. Collection method: clinical testing. Allele origin: germline. Affected: yes.
Comment: Not observed at significant frequency in large population cohorts (gnomAD); In silico analysis supports that this missense variant does not alter protein structure/function; Has not been previously published as pathogenic or benign to our knowledge